The following is an entry in ClinVar:

NM_006329.4(FBLN5):c.989+291G>T

Gene: FBLN5 (fibulin 5; minus strand). Cytogenetic location: 14q32.12.
Variant type: single nucleotide variant.
Coding change: c.989+291G>T on transcript NM_006329.4 (MANE Select); 291 bases into the intron after coding-DNA position 989, G replaced by T.
Molecular consequence: intron variant.
Genome position (GRCh38, 1-based): chr14:91,881,001, C>A on the plus strand (G>T on the coding strand, the complement: FBLN5 is on the minus strand). VCF-style: chr14-91881001-C-A. GRCh37 (hg19) VCF-style: chr14-92347345-C-A.
Other names: c.989+291G>T (NM_001384160.1); c.1112+291G>T (NM_001384158.1); c.821+291G>T (NM_001384162.1, NM_001384161.1); c.1040+291G>T (NM_001384159.1).
Identifiers: ClinVar variation 683516 (VCV000683516.1), dbSNP rs2498844, ClinGen allele CA265595274.

ClinVar aggregate classification (germline): Benign (1 of 4 stars; one submission).

Allele frequency attached by ClinVar (database versions not stated): gnomAD 0.71944 and 0.72279; TOPMed 0.72433; 1000 Genomes Project 30x 0.73111; 1000 Genomes Project 0.73602.
gnomAD v4.1: 109,870 of 152,064 alleles (72%); highest among the groups gnomAD compares: East Asian, 84%; 39,998 homozygotes.

Submission:

GeneDx
Classification: Benign. Last evaluated: 2018-06-18. Review status: criteria provided, single submitter. Criteria: GeneDx Variant Classification (06012015). Collection method: clinical testing. Allele origin: germline. Affected: yes.
Comment: This variant is considered likely benign or benign based on one or more of the following criteria: it is a conservative change, it occurs at a poorly conserved position in the protein, it is predicted to be benign by multiple in silico algorithms, and/or has population frequency not consistent with disease.